The following is an entry in ClinVar:

ClinVar aggregate classification (germline): Conflicting classifications of pathogenicity. Review status: criteria provided, conflicting classifications (1 of 4 stars). 11 submissions from 11 submitters: Uncertain significance (7); Likely benign (3). 1 of the submissions does not count toward it. Last evaluated 2026-05-06.

Conditions:
Brittle cornea syndrome 1 (BCS1). Also called: CORNEAL FRAGILITY, KERATOGLOBUS, BLUE SCLERAE, JOINT HYPEREXTENSIBILITY; EDS6B; DYSGENESIS MESODERMALIS CORNEAE ET SCLERAE; FRAGILITAS OCULI WITH JOINT HYPEREXTENSIBILITY; Corneal fragility keratoglobus, blue sclerae AND joint hypermobility. Identifiers: Orphanet 90354, MedGen C0268344, MONDO:0024543, OMIM 229200.
ZNF469-related disorder. Also called: ZNF469-related condition.
Cardiovascular phenotype. Identifiers: MedGen CN230736.
Ehlers-Danlos syndrome (EDS). Identifiers: Orphanet 98249, MedGen C0013720, MONDO:0020066.
Brittle cornea syndrome. Identifiers: Orphanet 90354, MedGen CN263128, MONDO:0009242.

Allele frequency attached by ClinVar (database versions not stated): ExAC 0.00032; gnomAD exomes 0.00063 and 0.00135; TOPMed 0.00071; gnomAD 0.00078 and 0.00081.
gnomAD v4.1: 1,967 of 1,550,462 alleles (0.13%); highest among the groups gnomAD compares: Non-Finnish European, 0.17%; 2 homozygotes.

Submissions (11):

Women's Health and Genetics/Laboratory Corporation of America, LabCorp
Classification: Uncertain significance. Last evaluated: 2026-05-06. Review status: criteria provided, single submitter. Criteria: LabCorp Variant Classification Summary - May 2015. Collection method: clinical testing. Allele origin: germline.
Comment: Variant summary: ZNF469 c.11425G>A (p.Glu3809Lys) results in a conservative amino acid change in the encoded protein sequence. Algorithms developed to predict the effect of missense changes on protein structure and function all suggest that this variant is likely to be tolerated. The variant allele was found at a frequency of 0.0013 in 1550462 control chromosomes, predominantly at a frequency of 0.0017 within the Non-Finnish European subpopulation in the gnomAD database, including 2 homozygotes. This frequency is not significantly higher than estimated for disease-causing variants in ZNF469, allowing no conclusion about variant significance. c.11425G>A, also known as c.11341G>A/p.E3781K, has been observed in an individual affected with keratoconus, but was also found in a healthy control (example: Lucas_2017). This report does not provide unequivocal conclusions about association of the variant with Brittle cornea syndrome 1. To our knowledge, no experimental evidence demonstrating an impact on protein function has been reported. The following publication has been ascertained in the context of this evaluation (PMID: 29228253). ClinVar contains an entry for this variant (Variation ID: 321026). Based on the evidence outlined above, the variant was classified as VUS-possibly benign.

CeGaT Center for Human Genetics Tuebingen
Classification: Likely benign. Last evaluated: 2026-02-01. Review status: criteria provided, single submitter. Criteria: CeGaT Center For Human Genetics Tuebingen Variant Classification Criteria Version 2. Collection method: clinical testing. Allele origin: germline. Affected: yes. Observed: 6 variant alleles.
Comment: ZNF469: BP4, BS2

GeneDx
Classification: Uncertain significance. Last evaluated: 2025-03-10. Review status: criteria provided, single submitter. Criteria: GeneDx Variant Classification Process June 2021. Collection method: clinical testing. Allele origin: germline. Affected: yes.
Comment: Identified in an individual with keratoconus and in a clinically unaffected control in published literature (PMID: 29228253); In silico analysis indicates that this missense variant does not alter protein structure/function; This variant is associated with the following publications: (PMID: 29228253)

Mayo Clinic Laboratories, Mayo Clinic
Classification: Likely benign. Last evaluated: 2025-01-13. Review status: criteria provided, single submitter. Criteria: ACMG Guidelines, 2015. Collection method: clinical testing. Allele origin: germline. Observed: 8 variant alleles.
Comment: BS1, BP4_moderate

Blueprint Genetics
Classification: Uncertain significance. Last evaluated: 2024-10-29. Review status: criteria provided, single submitter. Criteria: ACMG Guidelines, 2015. Collection method: clinical testing. Allele origin: germline.

Labcorp Genetics (formerly Invitae), Labcorp
Classification: Uncertain significance. Last evaluated: 2022-10-13. Review status: criteria provided, single submitter. Criteria: Invitae Variant Classification Sherloc (09022015). Collection method: clinical testing. Allele origin: germline.
Comment: This sequence change replaces glutamic acid, which is acidic and polar, with lysine, which is basic and polar, at codon 3781 of the ZNF469 protein (p.Glu3781Lys). This variant is present in population databases (rs201834513, gnomAD 0.1%), and has an allele count higher than expected for a pathogenic variant. This variant has not been reported in the literature in individuals affected with ZNF469-related conditions. ClinVar contains an entry for this variant (Variation ID: 321026). Algorithms developed to predict the effect of missense changes on protein structure and function are either unavailable or do not agree on the potential impact of this missense change (SIFT: "Deleterious"; PolyPhen-2: "Possibly Damaging"; Align-GVGD: "Class C0"). In summary, the available evidence is currently insufficient to determine the role of this variant in disease. Therefore, it has been classified as a Variant of Uncertain Significance.

Ambry Genetics
Classification: Likely benign for Cardiovascular phenotype. Last evaluated: 2021-11-05. Review status: criteria provided, single submitter. Criteria: Ambry Variant Classification Scheme 2023. Collection method: clinical testing. Allele origin: germline.

Department of Pathology and Laboratory Medicine, Sinai Health System
Classification: Uncertain significance for Brittle cornea syndrome 1. Last evaluated: 2021-09-29. Review status: criteria provided, single submitter. Criteria: ACMG Guidelines, 2015. Collection method: research. Allele origin: germline.

Genome Diagnostics Laboratory, The Hospital for Sick Children
Classification: Uncertain significance for Ehlers-Danlos syndrome. Last evaluated: 2020-02-01. Review status: criteria provided, single submitter. Criteria: ACMG Guidelines, 2015. Collection method: clinical testing. Allele origin: germline.

Baylor Genetics
Classification: Uncertain significance for Brittle cornea syndrome 1. Last evaluated: 2018-03-20. Review status: criteria provided, single submitter. Criteria: ACMG Guidelines, 2015. Collection method: clinical testing. Allele origin: paternal. Affected: yes.
Comment: This variant was determined to be of uncertain significance according to ACMG Guidelines, 2015 [PMID:25741868].

PreventionGenetics, part of Exact Sciences
Classification: Uncertain significance for ZNF469-related condition. Last evaluated: 2024-02-12. Review status: no assertion criteria provided. Collection method: clinical testing. Allele origin: germline. Not counted in ClinVar's aggregate classification.
Comment: The ZNF469 c.11341G>A variant is predicted to result in the amino acid substitution p.Glu3781Lys. This variant was reported in one patient with keratocornus (Lucas et al. 2017. PubMed ID: 29228253). This variant is reported in 0.14% of alleles in individuals of European (Non-Finnish) descent in gnomAD. Although we suspect that this variant may be benign, at this time, the clinical significance of this variant is uncertain due to the absence of conclusive functional and genetic evidence.

Literature cited by the submitters: PubMed 29228253 (cited by Women's Health and Genetics/Laboratory Corporation of America, LabCorp and Mayo Clinic Laboratories, Mayo Clinic); PubMed 28518168 (cited by Ambry Genetics); PubMed 32461654 (cited by Ambry Genetics).

NM_001367624.2(ZNF469):c.11425G>A (p.Glu3809Lys)

Gene: ZNF469 (zinc finger protein 469; plus strand). Cytogenetic location: 16q24.2.
Variant type: single nucleotide variant.
Coding change: c.11425G>A on transcript NM_001367624.2 (MANE Select); coding-DNA position 11425, G replaced by A.
Protein change: p.Glu3809Lys; replaces glutamic acid 3809 with lysine.
Molecular consequence: missense variant.
Genome position (GRCh38, 1-based): chr16:88,438,895, G>A. VCF-style: chr16-88438895-G-A. GRCh37 (hg19) VCF-style: chr16-88505303-G-A.
Other names: NM_001127464.1:c.11341G>A; NM_001127464.2:c.11341G>A; p.Glu3809Lys; short protein forms E3809K.
Identifiers: ClinVar variation 321026 (VCV000321026.66), dbSNP rs201834513, ClinGen allele CA8225610.
Genomic context (GRCh38, chr16:88,438,895, plus strand): 5'-TGCACCAAGGGGCCAAGGGAAGCTGGTGAGCAGGGGCCCCACGGGAGCCTAGGTCCCAAG[G>A]AGAAGGGAGAGAGCAGTACGAAGAGGAAAAAGGGCCAGGTCCCAGGGCCAGCCAGGAGTG-3'
Protein context (NP_001354553.1, residues 3799-3819): QGPHGSLGPK[Glu3809Lys]KGESSTKRKK